The following is an entry in ClinVar:

ClinVar aggregate classification (germline): Benign. Review status: criteria provided, multiple submitters, no conflicts (2 of 4 stars). 7 submissions from 7 submitters: Benign (7). Last evaluated 2026-02-04.

Conditions:
COG1 congenital disorder of glycosylation (CDG2G). Also called: CONGENITAL DISORDER OF GLYCOSYLATION, TYPE IIg; CDG IIg; CDGII/COG1 CEREBROCOSTOMANDIBULAR-LIKE SYNDROME. Identifiers: Orphanet 263508, MedGen C2931011, MONDO:0012637, OMIM 611209.

Allele frequency attached by ClinVar (database versions not stated): 1000 Genomes Project 30x 0.43785; gnomAD 0.43844 and 0.44386; TOPMed 0.44168; ESP Exome Variant Server 0.44679; 1000 Genomes Project 0.44948; ExAC 0.49690; gnomAD exomes 0.49957 and 0.51872.
gnomAD v4.1: 824,770 of 1,613,854 alleles (51%); highest among the groups gnomAD compares: East Asian, 62%; 214,320 homozygotes.

Submissions (7):

Labcorp Genetics (formerly Invitae), Labcorp
Classification: Benign for COG1 congenital disorder of glycosylation. Last evaluated: 2026-02-04. Review status: criteria provided, single submitter. Criteria: Invitae Variant Classification Sherloc (09022015). Collection method: clinical testing. Allele origin: germline.

Genome-Nilou Lab
Classification: Benign for COG1 congenital disorder of glycosylation. Last evaluated: 2021-07-22. Review status: criteria provided, single submitter. Criteria: ACMG Guidelines, 2015. Collection method: clinical testing. Allele origin: germline. Affected: no.

GeneDx
Classification: Benign. Last evaluated: 2018-06-14. Review status: criteria provided, single submitter. Criteria: GeneDx Variant Classification (06012015). Collection method: clinical testing. Allele origin: germline. Affected: yes.
Comment: This variant is considered likely benign or benign based on one or more of the following criteria: it is a conservative change, it occurs at a poorly conserved position in the protein, it is predicted to be benign by multiple in silico algorithms, and/or has population frequency not consistent with disease.

Illumina Laboratory Services, Illumina
Classification: Benign for COG1 congenital disorder of glycosylation. Last evaluated: 2018-01-13. Review status: criteria provided, single submitter. Criteria: ICSL Variant Classification Criteria 13 December 2019. Collection method: clinical testing. Allele origin: germline.
Comment: This variant was observed in the ICSL laboratory as part of a predisposition screen in an ostensibly healthy population. It had not been previously curated by ICSL or reported in the Human Gene Mutation Database (HGMD: prior to June 1st, 2018), and was therefore a candidate for classification through an automated scoring system. Utilizing variant allele frequency, disease prevalence and penetrance estimates, and inheritance mode, an automated score was calculated to assess if this variant is too frequent to cause the disease. Based on the score and internal cut-off values, a variant classified as benign is not then subjected to further curation. The score for this variant resulted in a classification of benign for this disease.

Mayo Clinic Laboratories, Mayo Clinic
Classification: Benign. Last evaluated: 2017-11-20. Review status: criteria provided, single submitter. Criteria: ACMG Guidelines, 2015. Collection method: clinical testing. Allele origin: germline. Observed: 28 variant alleles.

Eurofins Ntd Llc (ga)
Classification: Benign. Last evaluated: 2012-07-25. Review status: criteria provided, single submitter. Criteria: EGL Classification Definitions 2015. Collection method: clinical testing. Allele origin: germline. Observed: 33 variant alleles, 20 heterozygotes, 13 homozygotes.

Breakthrough Genomics
Classification: Benign. Review status: criteria provided, single submitter. Criteria: ACMG Guidelines, 2015. Collection method: not provided. Allele origin: germline. Inheritance: Autosomal recessive inheritance. Affected: yes.

NM_018714.3(COG1):c.333G>A (p.Gln111=)

Gene: COG1 (component of oligomeric golgi complex 1; plus strand). Cytogenetic location: 17q25.1.
Variant type: single nucleotide variant.
Coding change: c.333G>A on transcript NM_018714.3 (MANE Select); coding-DNA position 333, G replaced by A.
Protein change: p.Gln111=; no amino-acid change (glutamine 111 retained).
Molecular consequence: synonymous variant.
Genome position (GRCh38, 1-based): chr17:73,196,524, G>A. VCF-style: chr17-73196524-G-A. GRCh37 (hg19) VCF-style: chr17-71192663-G-A.
Other names: p.Gln111=.
Identifiers: ClinVar variation 95917 (VCV000095917.22), dbSNP rs1052706, ClinGen allele CA149037.